The following is an entry in ClinVar:

ClinVar aggregate classification (germline): Likely benign. Review status: criteria provided, multiple submitters, no conflicts (2 of 4 stars). 3 submissions from 3 submitters: Likely benign (3). Last evaluated 2023-05-01.

Allele frequency attached by ClinVar (database versions not stated): 1000 Genomes Project 30x 0.00062; 1000 Genomes Project 0.00080; ExAC 0.00130; gnomAD exomes 0.00136 and 0.00223; gnomAD 0.00141 and 0.00143; TOPMed 0.00144; ESP Exome Variant Server 0.00169.
gnomAD v4.1: 3,517 of 1,613,972 alleles (0.22%); highest among the groups gnomAD compares: Non-Finnish European, 0.26%; 8 homozygotes.

Submissions (4):

CeGaT Center for Human Genetics Tuebingen
Classification: Likely benign. Last evaluated: 2023-05-01. Review status: criteria provided, single submitter. Criteria: CeGaT Center For Human Genetics Tuebingen Variant Classification Criteria Version 2. Collection method: clinical testing. Allele origin: germline. Affected: yes. Observed: 2 variant alleles.
Comment: ERMP1: BP4

Labcorp Genetics (formerly Invitae), Labcorp
Classification: Likely benign. Last evaluated: 2018-07-16. Review status: criteria provided, single submitter. Criteria: Invitae Variant Classification Sherloc (09022015). Collection method: clinical testing. Allele origin: germline.

Breakthrough Genomics
Classification: Likely benign. Review status: criteria provided, single submitter. Criteria: ACMG Guidelines, 2015. Collection method: not provided. Allele origin: germline. Inheritance: Unknown mechanism. Affected: yes.

Dr. Peter K. Rogan Lab, Western University
No classification provided (evidence only). Condition: Chronic lymphocytic leukemia/small lymphocytic lymphoma. Review status: no classification provided. Collection method: in vitro. Allele origin: not applicable. Functional consequence: skipped exon. Not counted in ClinVar's aggregate classification.

NM_024896.3(ERMP1):c.1021+6T>C

Gene: ERMP1 (endoplasmic reticulum metallopeptidase 1; minus strand). Cytogenetic location: 9p24.1.
Variant type: single nucleotide variant.
Coding change: c.1021+6T>C on transcript NM_024896.3 (MANE Select); 6 bases into the intron after coding-DNA position 1021, T replaced by C.
Molecular consequence: intron variant.
Genome position (GRCh38, 1-based): chr9:5,812,883, A>G on the plus strand (T>C on the coding strand, the complement: ERMP1 is on the minus strand). VCF-style: chr9-5812883-A-G. GRCh37 (hg19) VCF-style: chr9-5812883-A-G.
Other names: NC_000009.11:g.5812883A>G.
Identifiers: ClinVar variation 773508 (VCV000773508.29), dbSNP rs199824716, ClinGen allele CA4976072.
Genomic context (GRCh38, chr9:5,812,883, plus strand): 5'-CAAGATTTAAAATTTGCTTTTGATAAATAAATGCTGCACAGTAGGCCGTAACCATTGACA[A>G]TATACCTGGAATGTTCCCAAAATCCCTGTAGATACGAAAGTCAGTATCTGAAGGAATGAT-3'